The following is an entry in ClinVar:

ClinVar aggregate classification (germline): Uncertain significance (1 of 4 stars; one submission).

Conditions:
Neuronopathy, distal hereditary motor, autosomal recessive 5. Also called: Young adult-onset distal hereditary motor neuropathy; Spinal muscular atrophy, distal, autosomal recessive, 5; NEUROPATHY, DISTAL HEREDITARY MOTOR, AUTOSOMAL RECESSIVE 5. Identifiers: Orphanet 314485, Orphanet 443950, MedGen C4749918, MONDO:0013947, OMIM 614881.

Allele frequency attached by ClinVar (database versions not stated): gnomAD exomes below 0.00001; gnomAD 0.00001; TOPMed 0.00002.
gnomAD v4.1: 7 of 1,614,048 alleles (0.00043%); highest among the groups gnomAD compares: Middle Eastern, 0.016%; no homozygotes.

Submission:

Labcorp Genetics (formerly Invitae), Labcorp
Classification: Uncertain significance for Neuronopathy, distal hereditary motor, autosomal recessive 5. Last evaluated: 2024-10-15. Review status: criteria provided, single submitter. Criteria: Invitae Variant Classification Sherloc (09022015). Collection method: clinical testing. Allele origin: germline.
Comment: This sequence change falls in intron 7 of the DNAJB2 gene. It does not directly change the encoded amino acid sequence of the DNAJB2 protein. It affects a nucleotide within the consensus splice site. This variant is present in population databases (no rsID available, gnomAD 0.007%). This variant has not been reported in the literature in individuals affected with DNAJB2-related conditions. ClinVar contains an entry for this variant (Variation ID: 2164271). Variants that disrupt the consensus splice site are a relatively common cause of aberrant splicing (PMID: 17576681, 9536098). Algorithms developed to predict the effect of sequence changes on RNA splicing suggest that this variant may disrupt the consensus splice site. In summary, the available evidence is currently insufficient to determine the role of this variant in disease. Therefore, it has been classified as a Variant of Uncertain Significance.

Literature cited by the submitters: PubMed 17576681; PubMed 9536098.

NM_006736.6(DNAJB2):c.548+4A>G

Gene: DNAJB2 (DnaJ heat shock protein family (Hsp40) member B2; plus strand). Cytogenetic location: 2q35.
Variant type: single nucleotide variant.
Coding change: c.548+4A>G on transcript NM_006736.6 (MANE Select); 4 bases into the intron after coding-DNA position 548, A replaced by G.
Molecular consequence: intron variant.
Genome position (GRCh38, 1-based): chr2:219,283,239, A>G. VCF-style: chr2-219283239-A-G. GRCh37 (hg19) VCF-style: chr2-220147961-A-G.
Other names: c.548+4A>G (NM_001039550.2).
Identifiers: ClinVar variation 2164271 (VCV002164271.4), dbSNP rs1282133532, ClinGen allele CA539842883.